The following is an entry in ClinVar:

NM_017617.5(NOTCH1):c.3770C>T (p.Pro1257Leu)

Gene: NOTCH1 (notch receptor 1; minus strand). Cytogenetic location: 9q34.3.
Variant type: single nucleotide variant.
Coding change: c.3770C>T on transcript NM_017617.5 (MANE Select); coding-DNA position 3770, C replaced by T.
Protein change: p.Pro1257Leu; replaces proline 1257 with leucine.
Molecular consequence: missense variant.
Genome position (GRCh38, 1-based): chr9:136,506,847, G>A on the plus strand (C>T on the coding strand, the complement: NOTCH1 is on the minus strand). VCF-style: chr9-136506847-G-A. GRCh37 (hg19) VCF-style: chr9-139401299-G-A.
Other names: c.3770C>T (NM_017617.3); short protein forms P1257L.
Identifiers: ClinVar variation 1061075 (VCV001061075.8), dbSNP rs200245794, ClinGen allele CA5340806.
Genomic context (GRCh38, chr9:136,506,847, plus strand): 5'-TCGCAGGGATTGGACAGGCACTCGTTGACATCCCCCTCACAGCGCTCACCCACGAAGCCC[G>A]GCGGGCAGGTGCAGCTGTAGCCGCCCACCTGGTCCACGCAGGTGCCGTTGTTAAAGCACT-3'
Protein context (NP_060087.3, residues 1247-1267): QVGGYSCTCP[Pro1257Leu]GFVGERCEGD

ClinVar aggregate classification (germline): Conflicting classifications of pathogenicity. Review status: criteria provided, conflicting classifications (1 of 4 stars). 2 submissions from 2 submitters: Uncertain significance (1); Benign (1). Last evaluated 2025-11-30.

Conditions:
Adams-Oliver syndrome 5 (AOS5). Identifiers: Orphanet 974, MedGen C4014970, MONDO:0014459, OMIM 616028.

Allele frequency attached by ClinVar (database versions not stated): gnomAD exomes 0.00002; ExAC 0.00004; 1000 Genomes Project 0.00020; 1000 Genomes Project 30x 0.00031.
gnomAD v4.1: 20 of 1,612,026 alleles (0.0012%); highest among the groups gnomAD compares: Admixed American, 0.0033%; no homozygotes.

Submissions (2):

Labcorp Genetics (formerly Invitae), Labcorp
Classification: Benign for Adams-Oliver syndrome 5. Last evaluated: 2025-11-30. Review status: criteria provided, single submitter. Criteria: Invitae Variant Classification Sherloc (09022015). Collection method: clinical testing. Allele origin: germline.

GeneDx
Classification: Uncertain significance. Last evaluated: 2024-03-14. Review status: criteria provided, single submitter. Criteria: GeneDx Variant Classification Process June 2021. Collection method: clinical testing. Allele origin: germline. Affected: yes.
Comment: Has not been previously published as pathogenic or benign in association with a cardio-related phenotype to our knowledge; Not observed at a significant frequency in large population cohorts (gnomAD); In silico analysis supports that this missense variant has a deleterious effect on protein structure/function; This variant is associated with the following publications: (PMID: Song2021[Abstract])